The following is an entry in ClinVar:

NM_000059.4(BRCA2):c.4279T>G (p.Phe1427Val)

Gene: BRCA2 (BRCA2 DNA repair associated; plus strand). Cytogenetic location: 13q13.1.
Variant type: single nucleotide variant.
Coding change: c.4279T>G on transcript NM_000059.4 (MANE Select); coding-DNA position 4279, T replaced by G.
Protein change: p.Phe1427Val; replaces phenylalanine 1427 with valine.
Molecular consequence: missense variant. On other transcripts: non-coding transcript variant (1), intron variant (2).
Genome position (GRCh38, 1-based): chr13:32,338,634, T>G. VCF-style: chr13-32338634-T-G. GRCh37 (hg19) VCF-style: chr13-32912771-T-G.
Other names: c.4279T>G, p.Phe1427Val (NM_001406719.1, NM_001406720.1, NM_001432077.1); c.1909+5247T>G (NM_001406721.1); c.425-5924T>G (NM_001406722.1); short protein forms F1427V.
Identifiers: ClinVar variation 4867796 (VCV004867796.1).

ClinVar aggregate classification (germline): Uncertain significance (1 of 4 stars; one submission).

Conditions:
Hereditary cancer-predisposing syndrome. Also called: Neoplastic Syndromes, Hereditary; Tumor predisposition; Hereditary Cancer Syndrome; Hereditary neoplastic syndrome. Identifiers: Orphanet 140162, MedGen C0027672, MeSH D009386, MONDO:0015356.

Submission:

Ambry Genetics
Classification: Uncertain significance for Hereditary cancer-predisposing syndrome. Last evaluated: 2026-03-26. Review status: criteria provided, single submitter. Criteria: Ambry Variant Classification Scheme 2023. Collection method: clinical testing. Allele origin: germline.
Comment: The p.F1427V variant (also known as c.4279T>G), located in coding exon 10 of the BRCA2 gene, results from a T to G substitution at nucleotide position 4279. The phenylalanine at codon 1427 is replaced by valine, an amino acid with highly similar properties. This amino acid position is conserved. In addition, this alteration is predicted to be tolerated by in silico analysis. Based on the available evidence, the clinical significance of this variant remains unclear.